The following is an entry in ClinVar:

ClinVar aggregate classification (germline): Pathogenic (1 of 4 stars; one submission).

Conditions:
Duchenne muscular dystrophy (DMD). Also called: MUSCULAR DYSTROPHY, PSEUDOHYPERTROPHIC PROGRESSIVE, DUCHENNE TYPE; Duchenne Muscular Dystrophy (DMD). Identifiers: Orphanet 98896, MedGen C0013264, MONDO:0010679, OMIM 310200.

Submission:

Labcorp Genetics (formerly Invitae), Labcorp
Classification: Pathogenic for Duchenne muscular dystrophy. Last evaluated: 2021-09-09. Review status: criteria provided, single submitter. Criteria: Invitae Variant Classification Sherloc (09022015). Collection method: clinical testing. Allele origin: germline.
Comment: This variant is a gross deletion of the genomic region encompassing exon(s) 3-37 of the DMD gene. This variant would be expected to be in-frame, preserving the integrity of the reading frame. A similar copy number variant has been observed in individuals with clinical features of DMD-related muscular dystrophy (PMID: 19937601; Invitae). The region of the DMD gene that includes exon(s) 13 has been determined to be clinically significant (PMID: 18353051, 22379338, 28116794, 28610567). Therefore, deletions that encompass that region are likely to be disease-causing. For these reasons, this variant has been classified as Pathogenic.

Literature cited by the submitters: PubMed 19937601; PubMed 18353051; PubMed 22379338; PubMed 28116794; PubMed 28610567.

NC_000023.10:g.(?_32380895)_(32867947_?)del

Gene: DMD (dystrophin; minus strand). Cytogenetic location: Xp21.1.
Variant type: Deletion.
Identifiers: ClinVar variation 1073607 (VCV001073607.7).